The following is an entry in ClinVar:

NM_032575.3(GLIS2):c.*796G>C

Gene: GLIS2 (GLIS family zinc finger 2; plus strand). Cytogenetic location: 16p13.3.
Variant type: single nucleotide variant.
Coding change: c.*796G>C on transcript NM_032575.3 (MANE Select); 796 bases downstream of the stop codon, G replaced by C.
Molecular consequence: 3 prime UTR variant.
Genome position (GRCh38, 1-based): chr16:4,338,320, G>C. VCF-style: chr16-4338320-G-C. GRCh37 (hg19) VCF-style: chr16-4388321-G-C.
Other names: c.*796G>C (NM_001318918.2).
Identifiers: ClinVar variation 319245 (VCV000319245.5), dbSNP rs111818339, ClinGen allele CA10637759.

ClinVar aggregate classification (germline): Likely benign (1 of 4 stars; one submission).

Conditions:
Nephronophthisis 7 (NPHP7). Identifiers: Orphanet 655, MedGen C1969092, MONDO:0012680, OMIM 611498.

Allele frequency attached by ClinVar (database versions not stated): 1000 Genomes Project 0.00260; TOPMed 0.00261; 1000 Genomes Project 30x 0.00265; gnomAD 0.00284 and 0.00299.

Submission:

Illumina Laboratory Services, Illumina
Classification: Likely benign for Nephronophthisis 7. Last evaluated: 2018-01-12. Review status: criteria provided, single submitter. Criteria: ICSL Variant Classification Criteria 13 December 2019. Collection method: clinical testing. Allele origin: germline.
Comment: This variant was observed in the ICSL laboratory as part of a predisposition screen in an ostensibly healthy population. It had not been previously curated by ICSL or reported in the Human Gene Mutation Database (HGMD: prior to June 1st, 2018), and was therefore a candidate for classification through an automated scoring system. Utilizing variant allele frequency, disease prevalence and penetrance estimates, and inheritance mode, an automated score was calculated to assess if this variant is too frequent to cause the disease. Based on the score and internal cut-off values, a variant classified as likely benign is not then subjected to further curation. The score for this variant resulted in a classification of likely benign for this disease.